The following is an entry in ClinVar:

NM_000543.5(SMPD1):c.1802C>T (p.Ala601Val)

Gene: SMPD1 (sphingomyelin phosphodiesterase 1; plus strand). Cytogenetic location: 11p15.4.
Variant type: single nucleotide variant.
Coding change: c.1802C>T on transcript NM_000543.5 (MANE Select); coding-DNA position 1802, C replaced by T.
Protein change: p.Ala601Val; replaces alanine 601 with valine.
Molecular consequence: missense variant. On other transcripts: 3 prime UTR variant (1), non-coding transcript variant (2).
Genome position (GRCh38, 1-based): chr11:6,394,513, C>T. VCF-style: chr11-6394513-C-T. GRCh37 (hg19) VCF-style: chr11-6415743-C-T.
Other names: c.1799C>T, p.Ala600Val (NM_001007593.3); c.*295C>T (NM_001318087.2); c.881C>T, p.Ala294Val (NM_001318088.2); c.1670C>T, p.Ala557Val (NM_001365135.2); short protein forms A294V, A557V, A600V, A601V.
Identifiers: ClinVar variation 4535161 (VCV004535161.6).

ClinVar aggregate classification (germline): Likely pathogenic (1 of 4 stars; one submission).

Submission:

CeGaT Center for Human Genetics Tuebingen
Classification: Likely pathogenic. Last evaluated: 2025-11-01. Review status: criteria provided, single submitter. Criteria: CeGaT Center For Human Genetics Tuebingen Variant Classification Criteria Version 2. Collection method: clinical testing. Allele origin: germline. Affected: yes. Observed: 1 variant allele.
Comment: SMPD1: PM1, PM2, PM5:Supporting, PP4